The following is an entry in ClinVar:

NM_025243.4(SLC19A3):c.381dup (p.Tyr128fs)

Gene: SLC19A3 (solute carrier family 19 member 3; minus strand). Cytogenetic location: 2q36.3.
Variant type: Duplication.
Coding change: c.381dup on transcript NM_025243.4 (MANE Select); coding-DNA position 381, one base duplicated (A; older notation c.381dupA).
Protein change: p.Tyr128fs; shifts the reading frame from tyrosine 128.
Molecular consequence: frameshift variant.
Genome position (GRCh38, 1-based): chr2:227,699,334, T duplicated on the plus strand (A on the coding strand, the reverse complement: SLC19A3 is on the minus strand). VCF-style (leftmost placement, unchanged base first): chr2-227699333-A-AT. GRCh37 (hg19) VCF-style: chr2-228564049-A-AT.
Other names: c.381dup, p.Tyr128fs (NM_001371411.1, NM_001371412.1); c.369dup, p.Tyr124fs (NM_001371413.1, NM_001371414.1); short protein forms Y124fs, Y128fs.
Identifiers: ClinVar variation 5014758 (VCV005014758.1).

ClinVar aggregate classification (germline): Pathogenic (1 of 4 stars; one submission).

Conditions:
Biotin-responsive basal ganglia disease (BTBGD). Also called: Thiamine metabolism dysfunction syndrome 2 (biotin- or thiamine-responsive encephalopathy type 2); Thiamine metabolism dysfunction syndrome type 2; Thiamine Transporter-2 Deficiency; thiamine-responsive encephalopathy; THIAMINE METABOLISM DYSFUNCTION SYNDROME 2 (BIOTIN- AND THIAMINE-RESPONSIVE TYPE). Identifiers: Orphanet 199348, Orphanet 65284, MedGen C1843807, MONDO:0011841, OMIM 607483.

Submission:

Myriad Genetics, Inc.
Classification: Pathogenic for Biotin-responsive basal ganglia disease. Last evaluated: 2025-07-22. Review status: criteria provided, single submitter. Criteria: Myriad Autosomal Dominant, Autosomal Recessive and X-Linked Classification Criteria (2023). Collection method: clinical testing. Allele origin: unknown.
Comment: NM_025243.3(SLC19A3):c.381dupA(Y128Ifs*97) is expected to be pathogenic in the context of biotin-thiamine-responsive basal ganglia disease. This variant is predicted to lead to an abnormal or absent protein product due to the creation of a premature termination codon in SLC19A3, a gene where loss-of-function variants are known to be pathogenic. Please note: this variant was assessed in the context of healthy population screening.